The following is an entry in ClinVar:

NM_000179.3(MSH6):c.7C>A (p.Arg3=)

Gene: MSH6 (mutS homolog 6; plus strand). Cytogenetic location: 2p16.3.
Variant type: single nucleotide variant.
Coding change: c.7C>A on transcript NM_000179.3 (MANE Select); coding-DNA position 7, C replaced by A.
Protein change: p.Arg3=; no amino-acid change (arginine 3 retained).
Molecular consequence: synonymous variant. On other transcripts: 5 prime UTR variant (8), non-coding transcript variant (5), intron variant (5).
Genome position (GRCh38, 1-based): chr2:47,783,240, C>A. VCF-style: chr2-47783240-C-A. GRCh37 (hg19) VCF-style: chr2-48010379-C-A.
Other names: c.7C>A, p.Arg3= (NM_001281492.2, NM_001406795.1, NM_001406796.1 and 9 more transcripts); c.-730C>A (NM_001281493.2, NM_001406811.1); c.-322C>A (NM_001406799.1); c.-49C>A (NM_001406804.1); c.-922C>A (NM_001406807.1); c.-577C>A (NM_001406812.1); c.-988C>A (NM_001406814.1); c.-533C>A (NM_001406816.1); and 3 more.
Identifiers: ClinVar variation 1761587 (VCV001761587.3), dbSNP rs1553408074, ClinGen allele CA425986769.

ClinVar aggregate classification (germline): Benign/Likely benign. Review status: criteria provided, multiple submitters, no conflicts (2 of 4 stars). 2 submissions from 2 submitters: Benign (1); Likely benign (1). Last evaluated 2024-12-16.

Conditions:
Hereditary cancer-predisposing syndrome. Also called: Neoplastic Syndromes, Hereditary; Tumor predisposition; Hereditary Cancer Syndrome; Hereditary neoplastic syndrome. Identifiers: Orphanet 140162, MedGen C0027672, MeSH D009386, MONDO:0015356.
Lynch syndrome 5 (LYNCH5). Also called: Colorectal cancer, hereditary nonpolyposis, type 5; Hereditary non-polyposis colorectal cancer, type 5. Identifiers: Orphanet 144, MedGen C1833477, MONDO:0013710, OMIM 614350. Disease mechanism: loss of function.

Submissions (2):

Myriad Genetics, Inc.
Classification: Benign for Lynch syndrome 5. Last evaluated: 2024-12-16. Review status: criteria provided, single submitter. Criteria: Myriad Autosomal Dominant, Autosomal Recessive and X-Linked Classification Criteria (2023). Collection method: clinical testing. Allele origin: unknown.
Comment: This variant is considered benign. This variant is a silent/synonymous amino acid change and it is not expected to impact splicing.

Ambry Genetics
Classification: Likely benign for Hereditary cancer-predisposing syndrome. Last evaluated: 2021-06-25. Review status: criteria provided, single submitter. Criteria: Ambry Variant Classification Scheme 2023. Collection method: clinical testing. Allele origin: germline.